The following is an entry in ClinVar:

ClinVar aggregate classification (germline): Likely benign. Review status: criteria provided, multiple submitters, no conflicts (2 of 4 stars). 2 submissions from 2 submitters: Likely benign (2). Last evaluated 2025-04-01.

Allele frequency attached by ClinVar (database versions not stated): ESP Exome Variant Server 0.00017; gnomAD 0.00067; ExAC 0.00079.

Submissions (2):

CeGaT Center for Human Genetics Tuebingen
Classification: Likely benign. Last evaluated: 2025-04-01. Review status: criteria provided, single submitter. Criteria: CeGaT Center For Human Genetics Tuebingen Variant Classification Criteria Version 2. Collection method: clinical testing. Allele origin: germline. Affected: yes. Observed: 2 variant alleles.
Comment: CEL: BP4, BP7

Blueprint Genetics
Classification: Likely benign. Last evaluated: 2024-10-11. Review status: criteria provided, single submitter. Criteria: ACMG Guidelines, 2015. Collection method: clinical testing. Allele origin: germline.

NM_001807.6(CEL):c.1707T>C (p.Thr569=)

Gene: CEL (carboxyl ester lipase; plus strand). Cytogenetic location: 9q34.13.
Variant type: single nucleotide variant.
Coding change: c.1707T>C on transcript NM_001807.6 (MANE Select); coding-DNA position 1707, T replaced by C.
Protein change: p.Thr569=; no amino-acid change (threonine 569 retained).
Molecular consequence: synonymous variant.
Genome position (GRCh38, 1-based): chr9:133,071,209, T>C. VCF-style: chr9-133071209-T-C. GRCh37 (hg19) VCF-style: chr9-135946596-T-C.
Identifiers: ClinVar variation 2673199 (VCV002673199.24), dbSNP rs373542594, ClinGen allele CA5303494.